The following is an entry in ClinVar:

NM_173477.5(USH1G):c.125A>G (p.His42Arg)

Gene: USH1G (USH1 protein network component sans; minus strand). Cytogenetic location: 17q25.1.
Variant type: single nucleotide variant.
Coding change: c.125A>G on transcript NM_173477.5 (MANE Select); coding-DNA position 125, A replaced by G.
Protein change: p.His42Arg; replaces histidine 42 with arginine.
Molecular consequence: missense variant. On other transcripts: 5 prime UTR variant (1).
Genome position (GRCh38, 1-based): chr17:74,922,949, T>C on the plus strand (A>G on the coding strand, the complement: USH1G is on the minus strand). VCF-style: chr17-74922949-T-C. GRCh37 (hg19) VCF-style: chr17-72919044-T-C.
Other names: c.-132A>G (NM_001282489.3); short protein forms H42R.
Identifiers: ClinVar variation 3359282 (VCV003359282.1).

ClinVar aggregate classification (germline): Uncertain significance (1 of 4 stars; one submission).

Submission:

GeneDx
Classification: Uncertain significance. Last evaluated: 2023-05-31. Review status: criteria provided, single submitter. Criteria: GeneDx Variant Classification Process June 2021. Collection method: clinical testing. Allele origin: germline. Affected: yes.
Comment: Not observed at significant frequency in large population cohorts (gnomAD); In silico analysis supports that this missense variant has a deleterious effect on protein structure/function; Has not been previously published as pathogenic or benign to our knowledge